The following is an entry in ClinVar:

NM_000090.4(COL3A1):c.2740C>T (p.Pro914Ser)

Gene: COL3A1 (collagen type III alpha 1 chain; plus strand). Cytogenetic location: 2q32.2.
Variant type: single nucleotide variant.
Coding change: c.2740C>T on transcript NM_000090.4 (MANE Select); coding-DNA position 2740, C replaced by T.
Protein change: p.Pro914Ser; replaces proline 914 with serine.
Molecular consequence: missense variant.
Genome position (GRCh38, 1-based): chr2:189,004,060, C>T. VCF-style: chr2-189004060-C-T. GRCh37 (hg19) VCF-style: chr2-189868786-C-T.
Other names: short protein forms P914S.
Identifiers: ClinVar variation 3386473 (VCV003386473.2).

ClinVar aggregate classification (germline): Uncertain significance. Review status: criteria provided, multiple submitters, no conflicts (2 of 4 stars). 2 submissions from 2 submitters: Uncertain significance (2). Last evaluated 2025-06-03.

Conditions:
Familial thoracic aortic aneurysm and aortic dissection (TAAD). Also called: Thoracic aortic aneurysms and dissections. Identifiers: Orphanet 91387, MedGen C4707243, MONDO:0019625.
Ehlers-Danlos syndrome, type 4 (EDSVASC). Also called: Ehlers-Danlos syndrome vascular type; Ehlers Danlos syndrome, ecchymotic type; Ehlers Danlos syndrome, arterial type; Ehlers Danlos syndrome, Sack-Barabas type; Ehlers-Danlos Syndrome Type IV. Identifiers: Orphanet 286, MedGen C0268338, MONDO:0017314, OMIM 130050.

gnomAD v4.1: 2 of 1,613,238 alleles (0.00012%); highest among the groups gnomAD compares: Non-Finnish European, 0.00017%; no homozygotes.

Submissions (2):

Color Diagnostics, LLC DBA Color Health
Classification: Uncertain significance for Familial thoracic aortic aneurysm and aortic dissection. Last evaluated: 2025-06-03. Review status: criteria provided, single submitter. Criteria: ACMG Guidelines, 2015. Collection method: clinical testing. Allele origin: germline.
Comment: This missense variant replaces proline with serine at codon 914 of the COL3A1 protein. Computational prediction suggests that this variant may not impact protein structure and function. To our knowledge, functional studies have not been reported for this variant. This variant has not been reported in individuals affected with COL3A1-related disorders in the literature. This variant has not been identified in the general population by the Genome Aggregation Database (gnomAD). The available evidence is insufficient to determine the role of this variant in disease conclusively. Therefore, this variant is classified as a Variant of Uncertain Significance.

All of Us Research Program, National Institutes of Health
Classification: Uncertain significance for Ehlers-Danlos syndrome, type 4. Last evaluated: 2024-03-05. Review status: criteria provided, single submitter. Criteria: ACMG Guidelines, 2015. Collection method: clinical testing. Allele origin: germline. Inheritance: Autosomal dominant inheritance. Observed: 1 variant allele, 1 heterozygote.
Comment: This study involves interpretation of variants in research participants for the purpose of population health screening. Participant phenotype was not available at the time of variant classification. Additional details can be found in publication PMID: 35346344, PMCID: PMC8962531